The following is an entry in ClinVar:

ClinVar aggregate classification (germline): Uncertain significance (1 of 4 stars; one submission).

Conditions:
Familial cancer of breast. Also called: BREAST CANCER, FAMILIAL; Hereditary breast cancer; hereditary breast carcinoma. Identifiers: Orphanet 227535, MedGen C0346153, MONDO:0016419, OMIM 114480. Disease mechanism: loss of function.

Allele frequency attached by ClinVar (database versions not stated): gnomAD exomes below 0.00001.
gnomAD v4.1: 3 of 1,594,096 alleles (0.00019%); highest among the groups gnomAD compares: Non-Finnish European, 0.00026%; no homozygotes.

Submission:

Labcorp Genetics (formerly Invitae), Labcorp
Classification: Uncertain significance for Familial cancer of breast. Last evaluated: 2018-07-18. Review status: criteria provided, single submitter. Criteria: Invitae Variant Classification Sherloc (09022015). Collection method: clinical testing. Allele origin: germline.
Comment: This sequence change replaces glycine with alanine at codon 203 of the BARD1 protein (p.Gly203Ala). The glycine residue is weakly conserved and there is a small physicochemical difference between glycine and alanine. This variant is not present in population databases (ExAC no frequency). This variant has not been reported in the literature in individuals with BARD1-related disease. Algorithms developed to predict the effect of missense changes on protein structure and function output the following: SIFT: "Tolerated"; PolyPhen-2: "Benign"; Align-GVGD: "Class C0". The alanine amino acid residue is found in multiple mammalian species, suggesting that this missense change does not adversely affect protein function. These predictions have not been confirmed by published functional studies and their clinical significance is uncertain. In summary, the available evidence is currently insufficient to determine the role of this variant in disease. Therefore, it has been classified as a Variant of Uncertain Significance.

NM_000465.4(BARD1):c.608G>C (p.Gly203Ala)

Gene: BARD1 (BRCA1 associated RING domain 1; minus strand). Cytogenetic location: 2q35.
Variant type: single nucleotide variant.
Coding change: c.608G>C on transcript NM_000465.4 (MANE Select); coding-DNA position 608, G replaced by C.
Protein change: p.Gly203Ala; replaces glycine 203 with alanine.
Molecular consequence: missense variant. On other transcripts: non-coding transcript variant (2), intron variant (3).
Genome position (GRCh38, 1-based): chr2:214,781,266, C>G on the plus strand (G>C on the coding strand, the complement: BARD1 is on the minus strand). VCF-style: chr2-214781266-C-G. GRCh37 (hg19) VCF-style: chr2-215645990-C-G.
Other names: c.551G>C, p.Gly184Ala (NM_001282543.2); c.158+28146G>C (NM_001282548.2); c.215+15795G>C (NM_001282545.2); c.364+11031G>C (NM_001282549.2); short protein forms G203A, G184A.
Identifiers: ClinVar variation 530178 (VCV000530178.10), dbSNP rs1323808192, ClinGen allele CA350456727.